The following is an entry in ClinVar:

NM_002661.5(PLCG2):c.3093T>C (p.Asn1031=)

Gene: PLCG2 (phospholipase C gamma 2; plus strand). Cytogenetic location: 16q23.3.
Variant type: single nucleotide variant.
Coding change: c.3093T>C on transcript NM_002661.5 (MANE Select); coding-DNA position 3093, T replaced by C.
Protein change: p.Asn1031=; no amino-acid change (asparagine 1031 retained).
Molecular consequence: synonymous variant.
Genome position (GRCh38, 1-based): chr16:81,937,798, T>C. VCF-style: chr16-81937798-T-C. GRCh37 (hg19) VCF-style: chr16-81971403-T-C.
Other names: p.Asn1031=.
Identifiers: ClinVar variation 403324 (VCV000403324.28), dbSNP rs1071644, ClinGen allele CA8194561.

ClinVar aggregate classification (germline): Benign/Likely benign. Review status: criteria provided, multiple submitters, no conflicts (2 of 4 stars). 13 submissions from 12 submitters: Benign (9); Likely benign (1). 3 of the submissions do not count toward it. Last evaluated 2026-02-04.

Conditions:
Familial cold autoinflammatory syndrome 3 (FCAS3). Also called: ANTIBODY DEFICIENCY AND IMMUNE DYSREGULATION, PLCG2-ASSOCIATED; FAMILIAL ATYPICAL COLD URTICARIA. Identifiers: Orphanet 300359, MedGen C3280914, MONDO:0013766, OMIM 614468.
Autoinflammation-PLCG2-associated antibody deficiency-immune dysregulation. Also called: Autoinflammation, antibody deficiency, and immune dysregulation, plcg2-associated; Autoinflammation, antibody deficiency, and immune dysregulation syndrome; AUTOINFLAMMATION, ANTIBODY DEFICIENCY, AND IMMUNE DYSREGULATION. Identifiers: Orphanet 324530, MedGen C3553961, MONDO:0013944, OMIM 614878.

Allele frequency attached by ClinVar (database versions not stated): 1000 Genomes Project 30x 0.31293; 1000 Genomes Project 0.31390; TOPMed 0.37203; gnomAD 0.39075 and 0.39319; ESP Exome Variant Server 0.40560; gnomAD exomes 0.44496 and 0.49981; ExAC 0.44867.
gnomAD v4.1: 788,731 of 1,613,270 alleles (49%); highest among the groups gnomAD compares: Non-Finnish European, 53%; 200,986 homozygotes.

Submissions (13):

Labcorp Genetics (formerly Invitae), Labcorp
Classification: Benign for Familial cold autoinflammatory syndrome 3. Last evaluated: 2026-02-04. Review status: criteria provided, single submitter. Criteria: Invitae Variant Classification Sherloc (09022015). Collection method: clinical testing. Allele origin: germline.

Women's Health and Genetics/Laboratory Corporation of America, LabCorp
Classification: Benign. Last evaluated: 2026-01-21. Review status: criteria provided, single submitter. Criteria: LabCorp Variant Classification Summary - May 2015. Collection method: clinical testing. Allele origin: germline.

Blueprint Genetics
Classification: Likely benign. Last evaluated: 2024-11-27. Review status: criteria provided, single submitter. Criteria: ACMG Guidelines, 2015. Collection method: clinical testing. Allele origin: germline.

Unidad de Genómica Garrahan, Hospital de Pediatría Garrahan
Classification: Benign. Last evaluated: 2023-11-12. Review status: criteria provided, single submitter. Criteria: ACMG Guidelines, 2015. Collection method: clinical testing. Allele origin: germline. Affected: no. Observed: 56 variant alleles.
Comment: This variant is classified as Benign based on local population frequency. This variant was detected in 58% of patients studied by a panel of primary immunodeficiencies. Number of patients: 56. Only high quality variants are reported.

Mayo Clinic Laboratories, Mayo Clinic
Classification: Benign. Last evaluated: 2022-03-09. Review status: criteria provided, single submitter. Criteria: ACMG Guidelines, 2015. Collection method: clinical testing. Allele origin: germline. Observed: 1,081 variant alleles.

Genome-Nilou Lab
Classification: Benign for Autoinflammation-PLCG2-associated antibody deficiency-immune dysregulation. Last evaluated: 2021-10-25. Review status: criteria provided, single submitter. Criteria: ACMG Guidelines, 2015. Collection method: clinical testing. Allele origin: germline. Affected: no.

Genome-Nilou Lab
Classification: Benign for Familial cold autoinflammatory syndrome 3. Last evaluated: 2021-10-25. Review status: criteria provided, single submitter. Criteria: ACMG Guidelines, 2015. Collection method: clinical testing. Allele origin: germline. Affected: no.

GeneDx
Classification: Benign. Last evaluated: 2021-05-04. Review status: criteria provided, single submitter. Criteria: GeneDx Variant Classification Process June 2021. Collection method: clinical testing. Allele origin: germline. Affected: yes.

Laboratory for Molecular Medicine, Mass General Brigham Personalized Medicine
Classification: Benign. Last evaluated: 2016-03-28. Review status: criteria provided, single submitter. Criteria: LMM Criteria. Collection method: clinical testing. Allele origin: germline.
Comment: Variant identified in a genome or exome case(s) and assessed due to predicted null impact of the variant or pathogenic assertions in the literature or databases. Disclaimer: This variant has not undergone full assessment. The following are preliminary notes: Frequency

Breakthrough Genomics
Classification: Benign. Review status: criteria provided, single submitter. Criteria: ACMG Guidelines, 2015. Collection method: not provided. Allele origin: germline. Inheritance: Autosomal dominant inheritance. Affected: yes.

Diagnostic Laboratory, Department of Genetics, University Medical Center Groningen
Classification: Benign. Review status: no assertion criteria provided. Collection method: clinical testing. Allele origin: germline. Affected: yes. Study: VKGL Data-share Consensus. Not counted in ClinVar's aggregate classification.

Genome Diagnostics Laboratory, University Medical Center Utrecht
Classification: Benign. Review status: no assertion criteria provided. Collection method: clinical testing. Allele origin: germline. Affected: yes. Study: VKGL Data-share Consensus. Not counted in ClinVar's aggregate classification.

Joint Genome Diagnostic Labs from Nijmegen and Maastricht, Radboudumc and MUMC+
Classification: Benign. Review status: no assertion criteria provided. Collection method: clinical testing. Allele origin: germline. Affected: yes. Study: VKGL Data-share Consensus. Not counted in ClinVar's aggregate classification.